The following is an entry in ClinVar:

NM_000181.4(GUSB):c.383C>T (p.Ser128Phe)

Gene: GUSB (glucuronidase beta; minus strand). Cytogenetic location: 7q11.21.
Variant type: single nucleotide variant.
Coding change: c.383C>T on transcript NM_000181.4 (MANE Select); coding-DNA position 383, C replaced by T.
Protein change: p.Ser128Phe; replaces serine 128 with phenylalanine.
Molecular consequence: missense variant. On other transcripts: 5 prime UTR variant (1), synonymous variant (1), non-coding transcript variant (1).
Genome position (GRCh38, 1-based): chr7:65,980,237, G>A on the plus strand (C>T on the coding strand, the complement: GUSB is on the minus strand). VCF-style: chr7-65980237-G-A. GRCh37 (hg19) VCF-style: chr7-65445224-G-A.
Other names: c.383C>T, p.Ser128Phe (NM_001284290.2); c.-3C>T (NM_001293104.2); c.54C>T, p.Phe18= (NM_001293105.2); short protein forms S128F.
Identifiers: ClinVar variation 1991648 (VCV001991648.6), dbSNP rs762212333, ClinGen allele CA4276673.

ClinVar aggregate classification (germline): Uncertain significance. Review status: criteria provided, multiple submitters, no conflicts (2 of 4 stars). 2 submissions from 2 submitters: Uncertain significance (2). Last evaluated 2024-03-14.

Conditions:
Mucopolysaccharidosis type 7 (MPS7). Also called: GUSB DEFICIENCY; SLY SYNDROME; MPS VII; BETA-GLUCURONIDASE DEFICIENCY. Identifiers: Orphanet 584, MedGen C0085132, MONDO:0009662, OMIM 253220.

Allele frequency attached by ClinVar (database versions not stated): gnomAD exomes below 0.00001; TOPMed below 0.00001; ExAC 0.00005.
gnomAD v4.1: 4 of 1,514,798 alleles (0.00026%); highest among the groups gnomAD compares: Admixed American, 0.0071%; no homozygotes.

Submissions (2):

Labcorp Genetics (formerly Invitae), Labcorp
Classification: Uncertain significance for Mucopolysaccharidosis type 7. Last evaluated: 2024-03-14. Review status: criteria provided, single submitter. Criteria: Invitae Variant Classification Sherloc (09022015). Collection method: clinical testing. Allele origin: germline.
Comment: This sequence change replaces serine, which is neutral and polar, with phenylalanine, which is neutral and non-polar, at codon 128 of the GUSB protein (p.Ser128Phe). This variant is present in population databases (rs762212333, gnomAD 0.01%). This variant has not been reported in the literature in individuals affected with GUSB-related conditions. ClinVar contains an entry for this variant (Variation ID: 1991648). Advanced modeling of protein sequence and biophysical properties (such as structural, functional, and spatial information, amino acid conservation, physicochemical variation, residue mobility, and thermodynamic stability) performed at Invitae indicates that this missense variant is not expected to disrupt GUSB protein function with a negative predictive value of 80%. In summary, the available evidence is currently insufficient to determine the role of this variant in disease. Therefore, it has been classified as a Variant of Uncertain Significance.

Revvity Omics, Revvity
Classification: Uncertain significance for Mucopolysaccharidosis type 7. Last evaluated: 2019-11-23. Review status: criteria provided, single submitter. Criteria: ACMG Guidelines, 2015. Collection method: clinical testing. Allele origin: germline.